The following is an entry in ClinVar:

ClinVar aggregate classification (germline): Uncertain significance (1 of 4 stars; one submission).

Conditions:
Marfan syndrome (MFS). Also called: MARFAN SYNDROME, TYPE I; Marfan syndrome type 1; Marfan's syndrome; Marfan syndrome, classic; FBN1-Related Marfan Syndrome. Identifiers: Orphanet 284963, Orphanet 558, MedGen C0024796, MONDO:0007947, OMIM 154700.
Familial thoracic aortic aneurysm and aortic dissection (TAAD). Also called: Thoracic aortic aneurysms and dissections. Identifiers: Orphanet 91387, MedGen C4707243, MONDO:0019625.

Submission:

Labcorp Genetics (formerly Invitae), Labcorp
Classification: Uncertain significance for Marfan syndrome; Familial thoracic aortic aneurysm and aortic dissection. Last evaluated: 2023-02-21. Review status: criteria provided, single submitter. Criteria: Invitae Variant Classification Sherloc (09022015). Collection method: clinical testing. Allele origin: germline.
Comment: This variant is not present in population databases (gnomAD no frequency). This variant has not been reported in the literature in individuals affected with FBN1-related conditions. Advanced modeling of protein sequence and biophysical properties (such as structural, functional, and spatial information, amino acid conservation, physicochemical variation, residue mobility, and thermodynamic stability) has been performed at Invitae for this missense variant, however the output from this modeling did not meet the statistical confidence thresholds required to predict the impact of this variant on FBN1 protein function. In summary, the available evidence is currently insufficient to determine the role of this variant in disease. Therefore, it has been classified as a Variant of Uncertain Significance. This sequence change replaces glutamic acid, which is acidic and polar, with alanine, which is neutral and non-polar, at codon 2779 of the FBN1 protein (p.Glu2779Ala).

NM_000138.5(FBN1):c.8336A>C (p.Glu2779Ala)

Gene: FBN1 (fibrillin 1; minus strand). Cytogenetic location: 15q21.1.
Variant type: single nucleotide variant.
Coding change: c.8336A>C on transcript NM_000138.5 (MANE Select); coding-DNA position 8336, A replaced by C.
Protein change: p.Glu2779Ala; replaces glutamic acid 2779 with alanine.
Molecular consequence: missense variant.
Genome position (GRCh38, 1-based): chr15:48,411,270, T>G on the plus strand (A>C on the coding strand, the complement: FBN1 is on the minus strand). VCF-style: chr15-48411270-T-G. GRCh37 (hg19) VCF-style: chr15-48703467-T-G.
Other names: c.8336A>C, p.Glu2779Ala (NM_001406716.1); short protein forms E2779A.
Identifiers: ClinVar variation 2943060 (VCV002943060.3), dbSNP rs2505371440, ClinGen allele CA392319542.